The following is an entry in ClinVar:

NM_001289125.3(IFNAR2):c.923A>C (p.Asn308Thr)

Genes: IFNAR2-IL10RB (IFNAR2-IL10RB readthrough; plus strand), IFNAR2 (interferon alpha and beta receptor subunit 2; plus strand). Cytogenetic location: 21q22.11.
Variant type: single nucleotide variant.
Coding change: c.923A>C on transcript NM_001289125.3 (MANE Select); coding-DNA position 923, A replaced by C.
Protein change: p.Asn308Thr; replaces asparagine 308 with threonine.
Molecular consequence: missense variant. On other transcripts: 3 prime UTR variant (5).
Genome position (GRCh38, 1-based): chr21:33,262,875, A>C. VCF-style: chr21-33262875-A-C. GRCh37 (hg19) VCF-style: chr21-34635180-A-C.
Other names: c.*159A>C (NM_000874.5, NM_207584.3); c.*72A>C (NM_001289126.2, NM_001289128.2); c.*298A>C (NM_001385054.1); c.923A>C, p.Asn308Thr (NM_001385055.1, NM_207585.3); short protein forms N308T.
Identifiers: ClinVar variation 1410515 (VCV001410515.4), dbSNP rs149379041, ClinGen allele CA10005877.

ClinVar aggregate classification (germline): Uncertain significance (1 of 4 stars; one submission).

Allele frequency attached by ClinVar (database versions not stated): gnomAD exomes 0.00001 and 0.00003; ExAC 0.00004; gnomAD 0.00009 and 0.00011; TOPMed 0.00012; ESP Exome Variant Server 0.00015.
gnomAD v4.1: 28 of 1,613,874 alleles (0.0017%); highest among the groups gnomAD compares: African/African-American, 0.033%; no homozygotes.

Submission:

Labcorp Genetics (formerly Invitae), Labcorp
Classification: Uncertain significance. Last evaluated: 2021-12-07. Review status: criteria provided, single submitter. Criteria: Invitae Variant Classification Sherloc (09022015). Collection method: clinical testing. Allele origin: germline.
Comment: This variant has not been reported in the literature in individuals affected with IFNAR2-related conditions. This variant is present in population databases (rs149379041, gnomAD 0.04%). This sequence change replaces asparagine, which is neutral and polar, with threonine, which is neutral and polar, at codon 308 of the IFNAR2 protein (p.Asn308Thr). Algorithms developed to predict the effect of missense changes on protein structure and function output the following: SIFT: "Tolerated"; PolyPhen-2: "Benign"; Align-GVGD: "Class C0". The threonine amino acid residue is found in multiple mammalian species, which suggests that this missense change does not adversely affect protein function. In summary, the available evidence is currently insufficient to determine the role of this variant in disease. Therefore, it has been classified as a Variant of Uncertain Significance.